The following is an entry in ClinVar:

NM_000135.4(FANCA):c.893+1G>A

Gene: FANCA (FA complementation group A; minus strand). Cytogenetic location: 16q24.3.
Variant type: single nucleotide variant.
Coding change: c.893+1G>A on transcript NM_000135.4 (MANE Select); the canonical splice donor site of the intron after coding-DNA position 893, G replaced by A.
Molecular consequence: splice donor variant.
Genome position (GRCh38, 1-based): chr16:89,799,165, C>T on the plus strand (G>A on the coding strand, the complement: FANCA is on the minus strand). VCF-style: chr16-89799165-C-T. GRCh37 (hg19) VCF-style: chr16-89865573-C-T.
Other names: NC_000016.9:g.89865573C>T; c.893+1G>A (NM_001286167.3, NM_001018112.3); c.797+1G>A (NM_001351830.2).
Identifiers: ClinVar variation 4077045 (VCV004077045.2).

ClinVar aggregate classification (germline): Likely pathogenic (1 of 4 stars; one submission).

Conditions:
Fanconi anemia complementation group A (FANCA). Also called: FANCA-Related Fanconi Anemia; Fanconi anemia, group A. Identifiers: Orphanet 84, MedGen C3469521, MONDO:0009215, OMIM 227650.

Submissions (2):

GeneKor MSA
Classification: Likely pathogenic for Fanconi anemia complementation group A. Last evaluated: 2025-06-20. Review status: criteria provided, single submitter. Criteria: ACMG Guidelines, 2015. Collection method: clinical testing. Allele origin: germline.
Comment: This variant involves a substitution of the first nucleotide of intron 10 in the FANCA gene – c.893+1G>A. This change is not reported in population databases or in the ClinVar variant repository. Splice site prediction algorithms suggest that this variant disrupts the canonical donor splice site, potentially resulting in abnormal mRNA splicing. Consequently, the protein produced from one allele is expected to be non-functional. However, this splicing defect has not been experimentally confirmed.Loss-of-function variants in FANCA are classified as pathogenic (PMID:19367192). Notably, a different substitution at the same nucleotide position (c.893+1G>T) has been reported as pathogenic in ClinVar (VCV000974203.3). For these reasons, this variant has been classified as Likely Pathogenic.

Dr. Peter K. Rogan Lab, Western University
No classification provided (evidence only). Condition: Cholangiocarcinoma. Review status: no classification provided. Collection method: in vitro. Allele origin: not applicable. Functional consequence: retained intron. Not counted in ClinVar's aggregate classification.

Literature cited by the submitters: PubMed 19367192 (cited by GeneKor MSA).